The following is an entry in ClinVar:

NM_001267550.2(TTN):c.94075G>A (p.Val31359Ile)

Genes: TTN (titin; minus strand), TTN-AS1 (TTN antisense RNA 1; plus strand). Cytogenetic location: 2q31.2.
Variant type: single nucleotide variant.
Coding change: c.94075G>A on transcript NM_001267550.2 (MANE Select); coding-DNA position 94075, G replaced by A.
Protein change: p.Val31359Ile; replaces valine 31359 with isoleucine.
Molecular consequence: missense variant.
Genome position (GRCh38, 1-based): chr2:178,547,551, C>T on the plus strand (G>A on the coding strand, the complement: TTN is on the minus strand). VCF-style: chr2-178547551-C-T. GRCh37 (hg19) VCF-style: chr2-179412278-C-T.
Other names: p.V29718I:GTC>ATC; c.89152G>A, p.Val29718Ile (NM_001256850.1); c.66880G>A, p.Val22294Ile (NM_003319.4); c.86371G>A, p.Val28791Ile (NM_133378.4); c.67255G>A, p.Val22419Ile (NM_133432.3); c.67456G>A, p.Val22486Ile (NM_133437.4); short protein forms V29718I, V31359I, V28791I, V22294I, V22419I, V22486I.
Identifiers: ClinVar variation 202999 (VCV000202999.11), dbSNP rs780436747, ClinGen allele CA310935.
Genomic context (GRCh38, chr2:178,547,551, plus strand): 5'-ATTCCATGTATTTTGTGAGATGAGTGACTTTAATTTGAGTGCGCTTGACACTGGAATTGA[C>T]AAGCTGCCAAGCTGTTGTACCCGATTCACGCTTTTCAACTATGTAATTAGTAATTTCAGT-3'
Protein context (NP_001254479.2, residues 31349-31369): RESGTTAWQL[Val31359Ile]NSSVKRTQIK

ClinVar aggregate classification (germline): Conflicting classifications of pathogenicity. Review status: criteria provided, conflicting classifications (1 of 4 stars). 8 submissions from 4 submitters: Uncertain significance (5); Likely benign (3). Last evaluated 2022-05-03.

Conditions:
Cardiovascular phenotype. Identifiers: MedGen CN230736.
Early-onset myopathy with fatal cardiomyopathy (CMYO5). Also called: CONGENITAL MYOPATHY 5 WITH CARDIOMYOPATHY; Salih Myopathy. Identifiers: Orphanet 289377, MedGen C2673677, MONDO:0012714, OMIM 611705. Disease mechanism: loss of function.
Autosomal recessive limb-girdle muscular dystrophy type 2J (LGMDR10). Also called: MUSCULAR DYSTROPHY, LIMB-GIRDLE, AUTOSOMAL RECESSIVE 10; Limb-girdle muscular dystrophy, type 2J. Identifiers: Orphanet 140922, MedGen C1837342, MONDO:0012127, OMIM 608807.
Myopathy, myofibrillar, 9, with early respiratory failure (MFM9). Also called: EDSTROM MYOPATHY; MYOPATHY, PROXIMAL, WITH EARLY RESPIRATORY MUSCLE INVOLVEMENT; Myopathy, distal, with early respiratory failure, autosomal dominant; Hereditary myopathy with early respiratory failure. Identifiers: Orphanet 178464, Orphanet 34521, MedGen C1863599, MONDO:0011362, OMIM 603689.
Dilated cardiomyopathy 1G (CMD1G). Identifiers: Orphanet 154, MedGen C1858763, MONDO:0011400, OMIM 604145.
Tibial muscular dystrophy (TMD). Also called: UDD MYOPATHY; Tibial muscular dystrophy, tardive; Udd Distal Myopathy – Tibial Muscular Dystrophy. Identifiers: Orphanet 609, MedGen C1838244, MONDO:0010870, OMIM 600334.

Allele frequency attached by ClinVar (database versions not stated): ExAC 0.00002; gnomAD 0.00003; gnomAD exomes 0.00003 and 0.00006; TOPMed 0.00003.
gnomAD v4.1: 84 of 1,613,644 alleles (0.0052%); highest among the groups gnomAD compares: Non-Finnish European, 0.007%; no homozygotes.

Submissions (8):

Revvity Omics, Revvity
Classification: Uncertain significance. Last evaluated: 2022-05-03. Review status: criteria provided, single submitter. Criteria: ACMG Guidelines, 2015. Collection method: clinical testing. Allele origin: germline.

Ambry Genetics
Classification: Uncertain significance for Cardiovascular phenotype. Last evaluated: 2019-11-06. Review status: criteria provided, single submitter. Criteria: Ambry Variant Classification Scheme 2023. Collection method: clinical testing. Allele origin: germline.
Comment: The p.V22294I variant (also known as c.66880G>A), located in coding exon 166 of the TTN gene, results from a G to A substitution at nucleotide position 66880. The valine at codon 22294 is replaced by isoleucine, an amino acid with highly similar properties. This amino acid position is not well conserved in available vertebrate species. In addition, this alteration is predicted to be tolerated by in silico analysis. Since supporting evidence is limited at this time, the clinical significance of this alteration remains unclear.

GeneDx
Classification: Likely benign. Last evaluated: 2018-04-30. Review status: criteria provided, single submitter. Criteria: GeneDx Variant Classification Process June 2021. Collection method: clinical testing. Allele origin: germline. Affected: yes.

Illumina Laboratory Services, Illumina
Classification: Uncertain significance for Dilated cardiomyopathy 1G. Last evaluated: 2018-01-13. Review status: criteria provided, single submitter. Criteria: ICSL Variant Classification Criteria 13 December 2019. Collection method: clinical testing. Allele origin: germline.

Illumina Laboratory Services, Illumina
Classification: Likely benign for Myopathy, myofibrillar, 9, with early respiratory failure. Last evaluated: 2018-01-13. Review status: criteria provided, single submitter. Criteria: ICSL Variant Classification Criteria 13 December 2019. Collection method: clinical testing. Allele origin: germline.
Comment: This variant was observed in the ICSL laboratory as part of a predisposition screen in an ostensibly healthy population. It had not been previously curated by ICSL or reported in the Human Gene Mutation Database (HGMD: prior to June 1st, 2018), and was therefore a candidate for classification through an automated scoring system. Utilizing variant allele frequency, disease prevalence and penetrance estimates, and inheritance mode, an automated score was calculated to assess if this variant is too frequent to cause the disease. Based on the score and internal cut-off values, a variant classified as likely benign is not then subjected to further curation. The score for this variant resulted in a classification of likely benign for this disease.

Illumina Laboratory Services, Illumina
Classification: Uncertain significance for Early-onset myopathy with fatal cardiomyopathy. Last evaluated: 2018-01-13. Review status: criteria provided, single submitter. Criteria: ICSL Variant Classification Criteria 13 December 2019. Collection method: clinical testing. Allele origin: germline.

Illumina Laboratory Services, Illumina
Classification: Likely benign for Tibial muscular dystrophy. Last evaluated: 2018-01-13. Review status: criteria provided, single submitter. Criteria: ICSL Variant Classification Criteria 13 December 2019. Collection method: clinical testing. Allele origin: germline.
Comment: the same text as in the submission from Illumina Laboratory Services, Illumina above.

Illumina Laboratory Services, Illumina
Classification: Uncertain significance for Autosomal recessive limb-girdle muscular dystrophy type 2J. Last evaluated: 2018-01-13. Review status: criteria provided, single submitter. Criteria: ICSL Variant Classification Criteria 13 December 2019. Collection method: clinical testing. Allele origin: germline.